The following is an entry in ClinVar:

NM_000016.6(ACADM):c.468+2T>C

Gene: ACADM (acyl-CoA dehydrogenase medium chain; plus strand). Cytogenetic location: 1p31.1.
Variant type: single nucleotide variant.
Coding change: c.468+2T>C on transcript NM_000016.6 (MANE Select); the canonical splice donor site of the intron after coding-DNA position 468, T replaced by C.
Molecular consequence: splice donor variant. On other transcripts: intron variant (1).
Genome position (GRCh38, 1-based): chr1:75,734,873, T>C. VCF-style: chr1-75734873-T-C. GRCh37 (hg19) VCF-style: chr1-76200558-T-C.
Other names: c.480+2T>C (NM_001127328.3); c.567+2T>C (NM_001286043.2); c.360+2T>C (NM_001286042.2); c.-100+1951T>C (NM_001286044.2).
Identifiers: ClinVar variation 1380272 (VCV001380272.8), dbSNP rs1647214301, ClinGen allele CA340813087.
Genomic context (GRCh38, chr1:75,734,873, plus strand): 5'-GAAATGATCAACAAAAGAAGAAGTATTTGGGGAGAATGACTGAGGAGCCATTGATGTGTG[T>C]GAGTATGTGTAACTGCCGCTTTATTTCACACTTAAGAAGGGAACAAAGGTGCTATTTCTC-3'

ClinVar aggregate classification (germline): Pathogenic (1 of 4 stars; one submission).

Conditions:
Medium-chain acyl-coenzyme A dehydrogenase deficiency (ACADMD). Also called: MCADH DEFICIENCY; Medium chain acyl-CoA dehydrogenase deficiency; MCADD; MCAD Deficiency; CARNITINE DEFICIENCY SECONDARY TO MEDIUM-CHAIN ACYL-CoA DEHYDROGENASE DEFICIENCY; ACADM DEFICIENCY. Identifiers: Orphanet 42, MedGen C0220710, MONDO:0008721, OMIM 201450.

Submission:

Labcorp Genetics (formerly Invitae), Labcorp
Classification: Pathogenic for Medium-chain acyl-coenzyme A dehydrogenase deficiency. Last evaluated: 2021-02-03. Review status: criteria provided, single submitter. Criteria: Invitae Variant Classification Sherloc (09022015). Collection method: clinical testing. Allele origin: germline.
Comment: Disruption of this splice site has been observed in individual(s) with medium chain acyl-CoA dehydrogenase deficiency (PMID: 27943070). This variant is not present in population databases (ExAC no frequency). This sequence change affects a donor splice site in intron 6 of the ACADM gene. It is expected to disrupt RNA splicing. Variants that disrupt the donor or acceptor splice site typically lead to a loss of protein function (PMID: 16199547), and loss-of-function variants in ACADM are known to be pathogenic (PMID: 16121256, 20434380). Algorithms developed to predict the effect of sequence changes on RNA splicing suggest that this variant may disrupt the consensus splice site, but this prediction has not been confirmed by published transcriptional studies. For these reasons, this variant has been classified as Pathogenic.

Literature cited by the submitters: PubMed 27943070; PubMed 16199547; PubMed 16121256; PubMed 20434380.